The following is an entry in ClinVar:

NM_022455.5(NSD1):c.6205G>A (p.Val2069Ile)

Gene: NSD1 (nuclear receptor binding SET domain protein 1; plus strand). Cytogenetic location: 5q35.3.
Variant type: single nucleotide variant.
Coding change: c.6205G>A on transcript NM_022455.5 (MANE Select); coding-DNA position 6205, G replaced by A.
Protein change: p.Val2069Ile; replaces valine 2069 with isoleucine.
Molecular consequence: missense variant. On other transcripts: intron variant (1).
Genome position (GRCh38, 1-based): chr5:177,288,872, G>A. VCF-style: chr5-177288872-G-A. GRCh37 (hg19) VCF-style: chr5-176715873-G-A.
Other names: c.5332G>A, p.Val1778Ile (NM_001365684.2, NM_001409308.1, NM_172349.5); c.6205G>A, p.Val2069Ile (NM_001409301.1, NM_001409302.1, NM_001409303.1); c.5785G>A, p.Val1929Ile (NM_001409304.1); c.5452G>A, p.Val1818Ile (NM_001409305.1); c.5443G>A, p.Val1815Ile (NM_001409306.1, NM_001409307.1); c.5137-3082G>A (NM_001409309.1); short protein forms V1818I, V1778I, V1815I, V1929I, V2069I.
Identifiers: ClinVar variation 4746254 (VCV004746254.1).

ClinVar aggregate classification (germline): Uncertain significance (1 of 4 stars; one submission).

Submission:

Labcorp Genetics (formerly Invitae), Labcorp
Classification: Uncertain significance. Last evaluated: 2025-09-30. Review status: criteria provided, single submitter. Criteria: Invitae Variant Classification Sherloc (09022015). Collection method: clinical testing. Allele origin: germline.
Comment: This sequence change replaces valine, which is neutral and non-polar, with isoleucine, which is neutral and non-polar, at codon 2069 of the NSD1 protein (p.Val2069Ile). This variant is not present in population databases (gnomAD no frequency). This variant has not been reported in the literature in individuals affected with NSD1-related conditions. Invitae Evidence Modeling of protein sequence and biophysical properties (such as structural, functional, and spatial information, amino acid conservation, physicochemical variation, residue mobility, and thermodynamic stability) indicates that this missense variant is expected to disrupt NSD1 protein function with a positive predictive value of 95%. In summary, the available evidence is currently insufficient to determine the role of this variant in disease. Therefore, it has been classified as a Variant of Uncertain Significance.